The following is an entry in ClinVar:

ClinVar aggregate classification (germline): Conflicting classifications of pathogenicity. Review status: criteria provided, conflicting classifications (1 of 4 stars). 4 submissions from 4 submitters: Uncertain significance (2); Likely benign (2). Last evaluated 2026-07-14.

Conditions:
MAGEL2-related disorder. Also called: MAGEL2-related condition.
Inborn genetic diseases. Identifiers: MedGen C0950123, MeSH D030342.

Allele frequency attached by ClinVar (database versions not stated): gnomAD 0.00005; TOPMed 0.00007; gnomAD exomes 0.00011.

Submissions (4):

PreventionGenetics, part of Exact Sciences
Classification: Likely benign for MAGEL2-related condition. Last evaluated: 2026-07-14. Review status: criteria provided, single submitter. Criteria: ACMG Guidelines, 2015. Collection method: clinical testing. Allele origin: germline.
Comment: This variant is classified as likely benign based on ACMG/AMP sequence variant interpretation guidelines (Richards et al. 2015 PMID: 25741868, with internal and published modifications).

Ambry Genetics
Classification: Likely benign for Inborn genetic diseases. Last evaluated: 2025-12-09. Review status: criteria provided, single submitter. Criteria: Ambry Variant Classification Scheme 2023. Collection method: clinical testing. Allele origin: germline.

Labcorp Genetics (formerly Invitae), Labcorp
Classification: Uncertain significance. Last evaluated: 2023-10-03. Review status: criteria provided, single submitter. Criteria: Invitae Variant Classification Sherloc (09022015). Collection method: clinical testing. Allele origin: germline.
Comment: This sequence change replaces leucine, which is neutral and non-polar, with methionine, which is neutral and non-polar, at codon 642 of the MAGEL2 protein (p.Leu642Met). This variant is present in population databases (rs774931523, gnomAD 0.002%). This variant has not been reported in the literature in individuals affected with MAGEL2-related conditions. ClinVar contains an entry for this variant (Variation ID: 2078186). Advanced modeling of protein sequence and biophysical properties (such as structural, functional, and spatial information, amino acid conservation, physicochemical variation, residue mobility, and thermodynamic stability) performed at Invitae indicates that this missense variant is not expected to disrupt MAGEL2 protein function. In summary, the available evidence is currently insufficient to determine the role of this variant in disease. Therefore, it has been classified as a Variant of Uncertain Significance.

CeGaT Center for Human Genetics Tuebingen
Classification: Uncertain significance. Last evaluated: 2023-02-01. Review status: criteria provided, single submitter. Criteria: CeGaT Center For Human Genetics Tuebingen Variant Classification Criteria Version 2. Collection method: clinical testing. Allele origin: germline. Affected: yes. Observed: 1 variant allele.
Comment: MAGEL2: PM2, BP4

NM_019066.5(MAGEL2):c.1924T>A (p.Leu642Met)

Gene: MAGEL2 (MAGE family member L2; minus strand). Cytogenetic location: 15q11.2.
Variant type: single nucleotide variant.
Coding change: c.1924T>A on transcript NM_019066.5 (MANE Select); coding-DNA position 1924, T replaced by A.
Protein change: p.Leu642Met; replaces leucine 642 with methionine.
Molecular consequence: missense variant.
Genome position (GRCh38, 1-based): chr15:23,645,819, A>T on the plus strand (T>A on the coding strand, the complement: MAGEL2 is on the minus strand). VCF-style: chr15-23645819-A-T. GRCh37 (hg19) VCF-style: chr15-23890966-A-T.
Other names: c.1924T>A (NM_019066.4); short protein forms L642M.
Identifiers: ClinVar variation 2078186 (VCV002078186.28), dbSNP rs774931523, ClinGen allele CA7429997.
Genomic context (GRCh38, chr15:23,645,819, plus strand): 5'-GGATTTGCACGGCTTTTTGGGAGGGCGGGGCTCCCTGAAAGGGCTGCTCCAGCTGGACCA[A>T]GGGGGGAGCCTGCCTCTGGGCCTCCTGGGCAGGCAGGGGCTGCCAGATGTGAGTGGGGGC-3'
Protein context (NP_061939.3, residues 632-652): AQEAQRQAPP[Leu642Met]VQLEQPFQGA